The following is an entry in ClinVar:

NM_022436.3(ABCG5):c.686A>C (p.Asn229Thr)

Genes: ABCG5 (ATP binding cassette subfamily G member 5; minus strand), DYNC2LI1 (dynein cytoplasmic 2 light intermediate chain 1; plus strand). Cytogenetic location: 2p21.
Variant type: single nucleotide variant.
Coding change: c.686A>C on transcript NM_022436.3 (MANE Select); coding-DNA position 686, A replaced by C.
Protein change: p.Asn229Thr; replaces asparagine 229 with threonine.
Molecular consequence: missense variant. On other transcripts: intron variant (2).
Genome position (GRCh38, 1-based): chr2:43,826,470, T>G on the plus strand (A>C on the coding strand, the complement: ABCG5 is on the minus strand). VCF-style: chr2-43826470-T-G. GRCh37 (hg19) VCF-style: chr2-44053609-T-G.
Other names: c.*16-916T>G (NM_001348913.2, NM_001348912.2); short protein forms N229T.
Identifiers: ClinVar variation 1755869 (VCV001755869.4), dbSNP rs1055275055, ClinGen allele CA46465077.

ClinVar aggregate classification (germline): Uncertain significance. Review status: criteria provided, multiple submitters, no conflicts (2 of 4 stars). 2 submissions from 2 submitters: Uncertain significance (2). Last evaluated 2024-03-30.

Conditions:
Sitosterolemia (STSL). Also called: PHYTOSTEROLEMIA. Identifiers: Orphanet 2882, MedGen C0342907, MONDO:0008863.
Cardiovascular phenotype. Identifiers: MedGen CN230736.

Allele frequency attached by ClinVar (database versions not stated): gnomAD exomes 0.00001.
gnomAD v4.1: 14 of 1,614,142 alleles (0.00087%); highest among the groups gnomAD compares: Non-Finnish European, 0.0012%; no homozygotes.

Submissions (2):

Labcorp Genetics (formerly Invitae), Labcorp
Classification: Uncertain significance for Sitosterolemia. Last evaluated: 2024-03-30. Review status: criteria provided, single submitter. Criteria: Invitae Variant Classification Sherloc (09022015). Collection method: clinical testing. Allele origin: germline.
Comment: This sequence change replaces asparagine, which is neutral and polar, with threonine, which is neutral and polar, at codon 229 of the ABCG5 protein (p.Asn229Thr). This variant is present in population databases (no rsID available, gnomAD 0.003%). This variant has not been reported in the literature in individuals affected with ABCG5-related conditions. ClinVar contains an entry for this variant (Variation ID: 1755869). An algorithm developed to predict the effect of missense changes on protein structure and function (PolyPhen-2) suggests that this variant is likely to be disruptive. In summary, the available evidence is currently insufficient to determine the role of this variant in disease. Therefore, it has been classified as a Variant of Uncertain Significance.

Ambry Genetics
Classification: Uncertain significance for Cardiovascular phenotype. Last evaluated: 2022-02-20. Review status: criteria provided, single submitter. Criteria: Ambry Variant Classification Scheme 2023. Collection method: clinical testing. Allele origin: germline.
Comment: The p.N229T variant (also known as c.686A>C), located in coding exon 6 of the ABCG5 gene, results from an A to C substitution at nucleotide position 686. The asparagine at codon 229 is replaced by threonine, an amino acid with similar properties. This amino acid position is conserved. In addition, this alteration is predicted to be tolerated by in silico analysis. Since supporting evidence is limited at this time, the clinical significance of this alteration remains unclear.